The following is an entry in ClinVar:

ClinVar aggregate classification (germline): Uncertain significance. Review status: criteria provided, multiple submitters, no conflicts (2 of 4 stars). 2 submissions from 2 submitters: Uncertain significance (2). Last evaluated 2025-07-31.

Conditions:
Colorectal cancer, hereditary nonpolyposis, type 7. Identifiers: Orphanet 144, MedGen C1858380, MONDO:0013725, OMIM 614385.

Allele frequency attached by ClinVar (database versions not stated): gnomAD exomes below 0.00001; gnomAD 0.00001; TOPMed 0.00001.

Submissions (2):

Labcorp Genetics (formerly Invitae), Labcorp
Classification: Uncertain significance for Colorectal cancer, hereditary nonpolyposis, type 7. Last evaluated: 2025-07-31. Review status: criteria provided, single submitter. Criteria: Invitae Variant Classification Sherloc (09022015). Collection method: clinical testing. Allele origin: germline.
Comment: This sequence change replaces asparagine, which is neutral and polar, with lysine, which is basic and polar, at codon 950 of the MLH3 protein (p.Asn950Lys). This variant is present in population databases (rs762525606, gnomAD 0.004%). This variant has not been reported in the literature in individuals affected with MLH3-related conditions. ClinVar contains an entry for this variant (Variation ID: 544271). An algorithm developed to predict the effect of missense changes on protein structure and function (PolyPhen-2) suggests that this variant is likely to be tolerated. In summary, the available evidence is currently insufficient to determine the role of this variant in disease. Therefore, it has been classified as a Variant of Uncertain Significance.

Ambry Genetics
Classification: Uncertain significance. Last evaluated: 2024-06-12. Review status: criteria provided, single submitter. Criteria: Ambry Variant Classification Scheme 2023. Collection method: clinical testing. Allele origin: germline.
Comment: The p.N950K variant (also known as c.2850T>G), located in coding exon 1 of the MLH3 gene, results from a T to G substitution at nucleotide position 2850. The asparagine at codon 950 is replaced by lysine, an amino acid with similar properties. This amino acid position is conserved. In addition, this alteration is predicted to be tolerated by in silico analysis. The evidence for this gene-disease relationship is limited; therefore, the clinical significance of this alteration is unclear.

NM_001040108.2(MLH3):c.2850T>G (p.Asn950Lys)

Gene: MLH3 (mutL homolog 3; minus strand). Cytogenetic location: 14q24.3.
Variant type: single nucleotide variant.
Coding change: c.2850T>G on transcript NM_001040108.2 (MANE Select); coding-DNA position 2850, T replaced by G.
Protein change: p.Asn950Lys; replaces asparagine 950 with lysine.
Molecular consequence: missense variant.
Genome position (GRCh38, 1-based): chr14:75,046,806, A>C on the plus strand (T>G on the coding strand, the complement: MLH3 is on the minus strand). VCF-style: chr14-75046806-A-C. GRCh37 (hg19) VCF-style: chr14-75513509-A-C.
Other names: c.2850T>G, p.Asn950Lys (NM_014381.3); short protein forms N950K.
Identifiers: ClinVar variation 544271 (VCV000544271.13), dbSNP rs762525606, ClinGen allele CA263647931.